The following is an entry in ClinVar:

ClinVar aggregate classification (germline): Uncertain significance (1 of 4 stars; one submission).

Conditions:
Ehlers-Danlos syndrome, classic type, 1 (EDSCL1). Also called: EHLERS-DANLOS SYNDROME, GRAVIS TYPE; EHLERS-DANLOS SYNDROME, SEVERE CLASSIC TYPE; Ehlers-Danlos syndrome, type 1; Ehlers-Danlos Syndrome, Classic Type, COL5A1-Related; EDS I. Identifiers: MedGen C0268335, MONDO:0019567, OMIM 130000.

Submission:

Labcorp Genetics (formerly Invitae), Labcorp
Classification: Uncertain significance for Ehlers-Danlos syndrome, classic type, 1. Last evaluated: 2024-07-01. Review status: criteria provided, single submitter. Criteria: Invitae Variant Classification Sherloc (09022015). Collection method: clinical testing. Allele origin: germline.
Comment: This sequence change falls in intron 8 of the COL5A1 gene. It does not directly change the encoded amino acid sequence of the COL5A1 protein. It affects a nucleotide within the consensus splice site. This variant is not present in population databases (gnomAD no frequency). This variant has not been reported in the literature in individuals affected with COL5A1-related conditions. ClinVar contains an entry for this variant (Variation ID: 1502823). Variants that disrupt the consensus splice site are a relatively common cause of aberrant splicing (PMID: 17576681, 9536098). Algorithms developed to predict the effect of sequence changes on RNA splicing suggest that this variant may disrupt the consensus splice site. In summary, the available evidence is currently insufficient to determine the role of this variant in disease. Therefore, it has been classified as a Variant of Uncertain Significance.

Literature cited by the submitters: PubMed 17576681; PubMed 9536098.

NM_000093.5(COL5A1):c.1332+5G>A

Gene: COL5A1 (collagen type V alpha 1 chain; plus strand). Cytogenetic location: 9q34.3.
Variant type: single nucleotide variant.
Coding change: c.1332+5G>A on transcript NM_000093.5 (MANE Select); 5 bases into the intron after coding-DNA position 1332, G replaced by A.
Molecular consequence: intron variant.
Genome position (GRCh38, 1-based): chr9:134,731,668, G>A. VCF-style: chr9-134731668-G-A. GRCh37 (hg19) VCF-style: chr9-137623514-G-A.
Other names: c.1332+5G>A (NM_001278074.1).
Identifiers: ClinVar variation 1502823 (VCV001502823.6), dbSNP rs1564417882, ClinGen allele CA2573144126.
Genomic context (GRCh38, chr9:134,731,668, plus strand): 5'-CCCCGTCGGAGATCGGGCCGGGAATGCCGGCGAACCAGGATACCATCTATGAAGGGGTGA[G>A]AGGGTGCAGGCCCCCGTTCCGGGTGGGGTTGGGGGGCTGGTGGGGCATCATGGGGGCTCC-3'